The following is an entry in ClinVar:

NM_012062.5(DNM1L):c.1708-124A>C

Gene: DNM1L (dynamin 1 like; plus strand). Cytogenetic location: 12p11.21.
Variant type: single nucleotide variant.
Coding change: c.1708-124A>C on transcript NM_012062.5 (MANE Select); 124 bases into the intron before coding-DNA position 1708, A replaced by C.
Molecular consequence: intron variant.
Genome position (GRCh38, 1-based): chr12:32,739,940, A>C. VCF-style: chr12-32739940-A-C. GRCh37 (hg19) VCF-style: chr12-32892874-A-C.
Other names: c.1747-124A>C (NM_001278464.2); c.1714-124A>C (NM_001278465.2); c.1636-124A>C (NM_001330380.2); c.1099-124A>C (NM_001278466.2); c.1675-124A>C (NM_001278463.2); c.1630-124A>C (NM_012063.4); c.1597-124A>C (NM_005690.5).
Identifiers: ClinVar variation 676721 (VCV000676721.2), dbSNP rs115559726, ClinGen allele CA235205389.
Genomic context (GRCh38, chr12:32,739,940, plus strand): 5'-ATTTAGATAGGTCAGGGTTCCAGTTATACATGCTACCTAGTGTCTCCTTCTGACCTCATT[A>C]TCTGTCTGAATAAACTTCAGATGGGTACTGGATGTATATTGACTACTGTCAAATAAAATG-3'

ClinVar aggregate classification (germline): Likely benign. Review status: criteria provided, multiple submitters, no conflicts (2 of 4 stars). 2 submissions from 2 submitters: Likely benign (2). Last evaluated 2018-06-14.

Allele frequency attached by ClinVar (database versions not stated): gnomAD 0.01246 and 0.01250; TOPMed 0.01325; 1000 Genomes Project 0.01717; 1000 Genomes Project 30x 0.01811.
gnomAD v4.1: 6,948 of 1,240,766 alleles (0.56%); highest among the groups gnomAD compares: African/African-American, 3.7%; 108 homozygotes.

Submissions (2):

GeneDx
Classification: Likely benign. Last evaluated: 2018-06-14. Review status: criteria provided, single submitter. Criteria: GeneDx Variant Classification (06012015). Collection method: clinical testing. Allele origin: germline. Affected: yes.
Comment: This variant is considered likely benign or benign based on one or more of the following criteria: it is a conservative change, it occurs at a poorly conserved position in the protein, it is predicted to be benign by multiple in silico algorithms, and/or has population frequency not consistent with disease.

Breakthrough Genomics
Classification: Likely benign. Review status: criteria provided, single submitter. Criteria: ACMG Guidelines, 2015. Collection method: not provided. Allele origin: germline. Inheritance: Autosomal recessive inheritance. Affected: yes.